The following is an entry in ClinVar:

ClinVar aggregate classification (germline): Benign/Likely benign. Review status: criteria provided, multiple submitters, no conflicts (2 of 4 stars). 4 submissions from 4 submitters: Benign (2); Likely benign (1). 1 of the submissions does not count toward it. Last evaluated 2026-01-26.

Conditions:
PLD1-related disorder. Also called: PLD1-related condition.

Allele frequency attached by ClinVar (database versions not stated): gnomAD exomes 0.00242 and 0.00252; ExAC 0.00269; gnomAD 0.00602; TOPMed 0.00747; ESP Exome Variant Server 0.00792; 1000 Genomes Project 30x 0.00796; 1000 Genomes Project 0.00799.
gnomAD v4.1: 4,748 of 1,613,990 alleles (0.29%); highest among the groups gnomAD compares: African/African-American, 2.1%; 28 homozygotes.

Submissions (4):

Labcorp Genetics (formerly Invitae), Labcorp
Classification: Benign. Last evaluated: 2026-01-26. Review status: criteria provided, single submitter. Criteria: Invitae Variant Classification Sherloc (09022015). Collection method: clinical testing. Allele origin: germline.

Blueprint Genetics
Classification: Likely benign. Last evaluated: 2024-11-25. Review status: criteria provided, single submitter. Criteria: ACMG Guidelines, 2015. Collection method: clinical testing. Allele origin: germline.

Breakthrough Genomics
Classification: Benign. Review status: criteria provided, single submitter. Criteria: ACMG Guidelines, 2015. Collection method: not provided. Allele origin: germline. Inheritance: Autosomal recessive inheritance. Affected: yes.

PreventionGenetics, part of Exact Sciences
Classification: Benign for PLD1-related condition. Last evaluated: 2019-07-10. Review status: no assertion criteria provided. Collection method: clinical testing. Allele origin: germline. Not counted in ClinVar's aggregate classification.
Comment: This variant is classified as benign based on ACMG/AMP sequence variant interpretation guidelines (Richards et al. 2015 PMID: 25741868, with internal and published modifications).

NM_002662.5(PLD1):c.3070G>A (p.Val1024Ile)

Gene: PLD1 (phospholipase D1; minus strand). Cytogenetic location: 3q26.31.
Variant type: single nucleotide variant.
Coding change: c.3070G>A on transcript NM_002662.5 (MANE Select); coding-DNA position 3070, G replaced by A.
Protein change: p.Val1024Ile; replaces valine 1024 with isoleucine.
Molecular consequence: missense variant.
Genome position (GRCh38, 1-based): chr3:171,603,233, C>T on the plus strand (G>A on the coding strand, the complement: PLD1 is on the minus strand). VCF-style: chr3-171603233-C-T. GRCh37 (hg19) VCF-style: chr3-171321023-C-T.
Other names: c.2956G>A, p.Val986Ile (NM_001130081.3); short protein forms V1024I, V986I.
Identifiers: ClinVar variation 708886 (VCV000708886.14), dbSNP rs9827333, ClinGen allele CA2704019.